The following is an entry in ClinVar:

ClinVar aggregate classification (germline): Conflicting classifications of pathogenicity. Review status: criteria provided, conflicting classifications (1 of 4 stars). 3 submissions from 3 submitters: Uncertain significance (2); Likely benign (1). Last evaluated 2025-05-07.

Conditions:
Cardiovascular phenotype. Identifiers: MedGen CN230736.
Alstrom syndrome (ALMS). Identifiers: Orphanet 64, MedGen C0268425, MONDO:0008763, OMIM 203800.

Allele frequency attached by ClinVar (database versions not stated): ESP Exome Variant Server 0.00008.
gnomAD v4.1: 13 of 1,613,822 alleles (0.00081%); highest among the groups gnomAD compares: Non-Finnish European, 0.0011%; no homozygotes.

Submissions (3):

Ambry Genetics
Classification: Likely benign for Cardiovascular phenotype. Last evaluated: 2025-05-07. Review status: criteria provided, single submitter. Criteria: Ambry Variant Classification Scheme 2023. Collection method: clinical testing. Allele origin: germline.

GeneDx
Classification: Uncertain significance. Last evaluated: 2024-05-12. Review status: criteria provided, single submitter. Criteria: GeneDx Variant Classification Process June 2021. Collection method: clinical testing. Allele origin: germline. Affected: yes.
Comment: Not observed at significant frequency in large population cohorts (gnomAD); In silico analysis indicates that this missense variant does not alter protein structure/function; Has not been previously published as pathogenic or benign to our knowledge

Labcorp Genetics (formerly Invitae), Labcorp
Classification: Uncertain significance for Alstrom syndrome. Last evaluated: 2021-07-04. Review status: criteria provided, single submitter. Criteria: Invitae Variant Classification Sherloc (09022015). Collection method: clinical testing. Allele origin: germline.
Comment: This sequence change replaces tyrosine with serine at codon 1807 of the ALMS1 protein (p.Tyr1807Ser). The tyrosine residue is weakly conserved and there is a large physicochemical difference between tyrosine and serine. This variant is present in population databases (rs374046216, ExAC 0.002%). This variant has not been reported in the literature in individuals affected with ALMS1-related conditions. Algorithms developed to predict the effect of missense changes on protein structure and function output the following: SIFT: "Not Available"; PolyPhen-2: "Not Available"; Align-GVGD: "Not Available". The serine amino acid residue is found in multiple mammalian species, which suggests that this missense change does not adversely affect protein function. In summary, the available evidence is currently insufficient to determine the role of this variant in disease. Therefore, it has been classified as a Variant of Uncertain Significance.

NM_001378454.1(ALMS1):c.5417A>C (p.Tyr1806Ser)

Gene: ALMS1 (ALMS1 centrosome and basal body associated protein; plus strand). Cytogenetic location: 2p13.1.
Variant type: single nucleotide variant.
Coding change: c.5417A>C on transcript NM_001378454.1 (MANE Select); coding-DNA position 5417, A replaced by C.
Protein change: p.Tyr1806Ser; replaces tyrosine 1806 with serine.
Molecular consequence: missense variant.
Genome position (GRCh38, 1-based): chr2:73,451,944, A>C. VCF-style: chr2-73451944-A-C. GRCh37 (hg19) VCF-style: chr2-73679071-A-C.
Other names: c.5420A>C, p.Tyr1807Ser (NM_015120.4); short protein forms Y1806S, Y1807S.
Identifiers: ClinVar variation 2192962 (VCV002192962.3), dbSNP rs374046216, ClinGen allele CA1713878.